The following is an entry in ClinVar:

ClinVar aggregate classification (germline): Uncertain significance. Review status: criteria provided, multiple submitters, no conflicts (2 of 4 stars). 2 submissions from 2 submitters: Uncertain significance (2). Last evaluated 2024-12-13.

Conditions:
KMT2A-related disorder. Also called: KMT2A-related condition.

Submissions (2):

PreventionGenetics, part of Exact Sciences
Classification: Uncertain significance for KMT2A-related condition. Last evaluated: 2024-12-13. Review status: criteria provided, single submitter. Criteria: ACMG Guidelines, 2015. Collection method: clinical testing. Allele origin: germline.
Comment: The KMT2A c.5038G>A variant is predicted to result in the amino acid substitution p.Glu1680Lys. To our knowledge, this variant has not been reported in the literature or in a large population database (gnomAD), indicating this variant is rare. At this time, the clinical significance of this variant is uncertain due to the absence of conclusive functional and genetic evidence.

GeneDx
Classification: Uncertain significance. Last evaluated: 2024-01-29. Review status: criteria provided, single submitter. Criteria: GeneDx Variant Classification Process June 2021. Collection method: clinical testing. Allele origin: germline. Affected: yes.
Comment: Not observed at significant frequency in large population cohorts (gnomAD); In silico analysis supports that this missense variant does not alter protein structure/function; In silico analysis suggests this variant may impact gene splicing. In the absence of RNA/functional studies, the actual effect of this sequence change is unknown.; Has not been previously published as pathogenic or benign to our knowledge

NM_001197104.2(KMT2A):c.5038G>A (p.Glu1680Lys)

Gene: KMT2A (lysine methyltransferase 2A; plus strand). Cytogenetic location: 11q23.3.
Variant type: single nucleotide variant.
Coding change: c.5038G>A on transcript NM_001197104.2 (MANE Select); coding-DNA position 5038, G replaced by A.
Protein change: p.Glu1680Lys; replaces glutamic acid 1680 with lysine.
Molecular consequence: missense variant.
Genome position (GRCh38, 1-based): chr11:118,493,090, G>A. VCF-style: chr11-118493090-G-A. GRCh37 (hg19) VCF-style: chr11-118363805-G-A.
Other names: c.5128G>A, p.Glu1710Lys (NM_001412597.1); c.5029G>A, p.Glu1677Lys (NM_005933.4); short protein forms E1677K, E1680K, E1710K.
Identifiers: ClinVar variation 3368445 (VCV003368445.2).